The following is an entry in ClinVar:

ClinVar aggregate classification (germline): Uncertain significance. Review status: criteria provided, multiple submitters, no conflicts (2 of 4 stars). 2 submissions from 2 submitters: Uncertain significance (2). Last evaluated 2026-03-21.

Conditions:
Cardiovascular phenotype. Identifiers: MedGen CN230736.
Long QT syndrome (LQTS). Identifiers: MedGen C0023976, MeSH D008133, MONDO:0002442. Disease mechanism: loss of function. Inheritance: Various modes of inheritance.

Allele frequency attached by ClinVar (database versions not stated): gnomAD 0.00001; gnomAD exomes 0.00001; TOPMed 0.00002.
gnomAD v4.1: 4 of 1,613,278 alleles (0.00025%); highest among the groups gnomAD compares: Non-Finnish European, 0.00034%; no homozygotes.

Submissions (2):

Ambry Genetics
Classification: Uncertain significance for Cardiovascular phenotype. Last evaluated: 2026-03-21. Review status: criteria provided, single submitter. Criteria: Ambry Variant Classification Scheme 2023. Collection method: clinical testing. Allele origin: germline.
Comment: The p.E387K variant (also known as c.1159G>A), located in coding exon 8 of the AKAP9 gene, results from a G to A substitution at nucleotide position 1159. The glutamic acid at codon 387 is replaced by lysine, an amino acid with similar properties. This amino acid position is conserved. In addition, this alteration is predicted to be tolerated by in silico analysis. Based on the available evidence, the clinical significance of this variant remains unclear.

Labcorp Genetics (formerly Invitae), Labcorp
Classification: Uncertain significance for Long QT syndrome. Last evaluated: 2025-05-01. Review status: criteria provided, single submitter. Criteria: Invitae Variant Classification Sherloc (09022015). Collection method: clinical testing. Allele origin: germline.
Comment: This sequence change replaces glutamic acid, which is acidic and polar, with lysine, which is basic and polar, at codon 387 of the AKAP9 protein (p.Glu387Lys). This variant is not present in population databases (gnomAD no frequency). This variant has not been reported in the literature in individuals affected with AKAP9-related conditions. ClinVar contains an entry for this variant (Variation ID: 571277). An algorithm developed to predict the effect of missense changes on protein structure and function (PolyPhen-2) suggests that this variant is likely to be tolerated. In summary, the available evidence is currently insufficient to determine the role of this variant in disease. Therefore, it has been classified as a Variant of Uncertain Significance.

NM_005751.5(AKAP9):c.1159G>A (p.Glu387Lys)

Gene: AKAP9 (A-kinase anchoring protein 9; plus strand). Cytogenetic location: 7q21.2.
Variant type: single nucleotide variant.
Coding change: c.1159G>A on transcript NM_005751.5 (MANE Select); coding-DNA position 1159, G replaced by A.
Protein change: p.Glu387Lys; replaces glutamic acid 387 with lysine.
Molecular consequence: missense variant.
Genome position (GRCh38, 1-based): chr7:92,001,076, G>A. VCF-style: chr7-92001076-G-A. GRCh37 (hg19) VCF-style: chr7-91630390-G-A.
Other names: c.1159G>A, p.Glu387Lys (NM_147185.3); short protein forms E387K.
Identifiers: ClinVar variation 571277 (VCV000571277.9), dbSNP rs1274395705, ClinGen allele CA368121149.